The following is an entry in ClinVar:

ClinVar aggregate classification (germline): Conflicting classifications of pathogenicity. Review status: criteria provided, conflicting classifications (1 of 4 stars). 2 submissions from 2 submitters: Likely pathogenic (1); Uncertain significance (1). Last evaluated 2025-01-20.

Conditions:
Inborn genetic diseases. Identifiers: MedGen C0950123, MeSH D030342.
Charcot-Marie-Tooth disease dominant intermediate C (CMTDIC). Also called: CHARCOT-MARIE-TOOTH NEUROPATHY, DOMINANT INTERMEDIATE C. Identifiers: Orphanet 100045, MedGen C1842237, MONDO:0012012, OMIM 608323.

Submissions (2):

Labcorp Genetics (formerly Invitae), Labcorp
Classification: Likely pathogenic for Charcot-Marie-Tooth disease dominant intermediate C. Last evaluated: 2025-01-20. Review status: criteria provided, single submitter. Criteria: Invitae Variant Classification Sherloc (09022015). Collection method: clinical testing. Allele origin: germline.
Comment: This sequence change replaces glutamic acid, which is acidic and polar, with glycine, which is neutral and non-polar, at codon 196 of the YARS protein (p.Glu196Gly). This variant is not present in population databases (gnomAD no frequency). This missense change has been observed in individuals with autosomal dominant YARS-related conditions (PMID: 36631979; internal data). ClinVar contains an entry for this variant (Variation ID: 1681523). Invitae Evidence Modeling of protein sequence and biophysical properties (such as structural, functional, and spatial information, amino acid conservation, physicochemical variation, residue mobility, and thermodynamic stability) indicates that this missense variant is expected to disrupt YARS protein function with a positive predictive value of 80%. This variant disrupts the p.Glu196 amino acid residue in YARS. Other variant(s) that disrupt this residue have been determined to be pathogenic (PMID: 16429158, 26257172). This suggests that this residue is clinically significant, and that variants that disrupt this residue are likely to be disease-causing. In summary, the currently available evidence indicates that the variant is pathogenic, but additional data are needed to prove that conclusively. Therefore, this variant has been classified as Likely Pathogenic.

Ambry Genetics
Classification: Uncertain significance for Inborn genetic diseases. Last evaluated: 2020-06-26. Review status: criteria provided, single submitter. Criteria: Ambry Variant Classification Scheme 2023. Collection method: clinical testing. Allele origin: germline.
Comment: The p.E196G variant (also known as c.587A>G), located in coding exon 5 of the YARS gene, results from an A to G substitution at nucleotide position 587. The glutamic acid at codon 196 is replaced by glycine, an amino acid with similar properties. While this alteration has not been reported in the literature previously, alterations involving the same amino acid have been reported in individuals presenting with a clinical diagnosis of Charcot-Marie Tooth disease (Jordanova A et al. Nat. Genet., 2006 Feb;38:197-202; Gonzaga-Jauregui C et al. Cell Rep, 2015 Aug;12:1169-83). This amino acid position is highly conserved in available vertebrate species. In addition, this alteration is predicted to be deleterious by in silico analysis. Since supporting evidence is limited at this time, the clinical significance of this alteration remains unclear.

Literature cited by the submitters: PubMed 36631979 (cited by Labcorp Genetics (formerly Invitae), Labcorp); PubMed 16429158 (cited by Labcorp Genetics (formerly Invitae), Labcorp and Ambry Genetics); PubMed 26257172 (cited by Labcorp Genetics (formerly Invitae), Labcorp and Ambry Genetics).

NM_003680.4(YARS1):c.587A>G (p.Glu196Gly)

Gene: YARS1 (tyrosyl-tRNA synthetase 1; minus strand). Cytogenetic location: 1p35.1.
Variant type: single nucleotide variant.
Coding change: c.587A>G on transcript NM_003680.4 (MANE Select); coding-DNA position 587, A replaced by G.
Protein change: p.Glu196Gly; replaces glutamic acid 196 with glycine.
Molecular consequence: missense variant.
Genome position (GRCh38, 1-based): chr1:32,797,767, T>C on the plus strand (A>G on the coding strand, the complement: YARS1 is on the minus strand). VCF-style: chr1-32797767-T-C. GRCh37 (hg19) VCF-style: chr1-33263368-T-C.
Other names: short protein forms E196G.
Identifiers: ClinVar variation 1681523 (VCV001681523.8), dbSNP rs2148610315, ClinGen allele CA339686502.